The following is an entry in ClinVar:

NM_015450.3(POT1):c.9+8G>A

Gene: POT1 (protection of telomeres 1; minus strand). Cytogenetic location: 7q31.33.
Variant type: single nucleotide variant.
Coding change: c.9+8G>A on transcript NM_015450.3 (MANE Select); 8 bases into the intron after coding-DNA position 9, G replaced by A.
Molecular consequence: intron variant.
Genome position (GRCh38, 1-based): chr7:124,897,157, C>T on the plus strand (G>A on the coding strand, the complement: POT1 is on the minus strand). VCF-style: chr7-124897157-C-T. GRCh37 (hg19) VCF-style: chr7-124537211-C-T.
Other names: c.-254+8G>A (NM_001042594.2).
Identifiers: ClinVar variation 706933 (VCV000706933.20), dbSNP rs767433441, ClinGen allele CA4465540.

ClinVar aggregate classification (germline): Likely benign. Review status: criteria provided, multiple submitters, no conflicts (2 of 4 stars). 4 submissions from 4 submitters: Likely benign (4). Last evaluated 2026-02-03.

Conditions:
Tumor predisposition syndrome 3 (TPDS3). Also called: Melanoma, cutaneous malignant, susceptibility to, 10; Glioma susceptibility 9; LONG TELOMERE SYNDROME, POT1-RELATED; POT1 Tumor Predisposition. Identifiers: Orphanet 618, MedGen C4014476, MONDO:0014368, OMIM 615848.

Allele frequency attached by ClinVar (database versions not stated): gnomAD 0.00001; TOPMed 0.00002; ExAC 0.00004.
gnomAD v4.1: 16 of 1,445,702 alleles (0.0011%); highest among the groups gnomAD compares: East Asian, 0.014%; no homozygotes.

Submissions (4):

Labcorp Genetics (formerly Invitae), Labcorp
Classification: Likely benign for Tumor predisposition syndrome 3. Last evaluated: 2026-02-03. Review status: criteria provided, single submitter. Criteria: Invitae Variant Classification Sherloc (09022015). Collection method: clinical testing. Allele origin: germline.

CeGaT Center for Human Genetics Tuebingen
Classification: Likely benign. Last evaluated: 2025-11-01. Review status: criteria provided, single submitter. Criteria: CeGaT Center For Human Genetics Tuebingen Variant Classification Criteria Version 2. Collection method: clinical testing. Allele origin: germline. Affected: yes. Observed: 1 variant allele.
Comment: POT1: BP4

Quest Diagnostics Nichols Institute San Juan Capistrano
Classification: Likely benign. Last evaluated: 2025-07-17. Review status: criteria provided, single submitter. Criteria: Quest Diagnostics criteria. Collection method: clinical testing. Allele origin: unknown.

Center for Genomic Medicine, Rigshospitalet, Copenhagen University Hospital
Classification: Likely benign. Last evaluated: 2025-03-04. Review status: criteria provided, single submitter. Criteria: ACMG Guidelines, 2015. Collection method: clinical testing. Allele origin: germline.